The following is an entry in ClinVar:

ClinVar aggregate classification (germline): Uncertain significance (1 of 4 stars; one submission).

Allele frequency attached by ClinVar (database versions not stated): gnomAD exomes below 0.00001; ExAC 0.00001.

Submission:

GeneDx
Classification: Uncertain significance. Last evaluated: 2020-11-04. Review status: criteria provided, single submitter. Criteria: GeneDx Variant Classification Process June 2021. Collection method: clinical testing. Allele origin: germline. Affected: yes.
Comment: Not observed at a significant frequency in large population cohorts (Lek et al., 2016); In silico analysis supports that this missense variant has a deleterious effect on protein structure/function; Has not been previously published as pathogenic or benign to our knowledge

NM_002739.5(PRKCG):c.1622T>G (p.Phe541Cys)

Gene: PRKCG (protein kinase C gamma; plus strand). Cytogenetic location: 19q13.42.
Variant type: single nucleotide variant.
Coding change: c.1622T>G on transcript NM_002739.5 (MANE Select); coding-DNA position 1622, T replaced by G.
Protein change: p.Phe541Cys; replaces phenylalanine 541 with cysteine.
Molecular consequence: missense variant.
Genome position (GRCh38, 1-based): chr19:53,903,119, T>G. VCF-style: chr19-53903119-T-G. GRCh37 (hg19) VCF-style: chr19-54406373-T-G.
Other names: c.1622T>G, p.Phe541Cys (NM_001316329.2); short protein forms F541C.
Identifiers: ClinVar variation 1190530 (VCV001190530.2), dbSNP rs753502785, ClinGen allele CA9640661.
Genomic context (GRCh38, chr19:53,903,119, plus strand): 5'-TCCACCTCCCCTAGATCATTGCCTACCAGCCCTATGGGAAGTCTGTCGATTGGTGGTCCT[T>G]TGGAGTTCTGCTGTATGAGATGTTGGCAGGACAGGTAAGGGAAGGTGGGGAGAAGCTGGC-3'
Protein context (NP_002730.1, residues 531-551): PYGKSVDWWS[Phe541Cys]GVLLYEMLAG